The following is an entry in ClinVar:

NM_152703.5(SAMD9L):c.1376A>G (p.Tyr459Cys)

Gene: SAMD9L (sterile alpha motif domain containing 9 like; minus strand). Cytogenetic location: 7q21.2.
Variant type: single nucleotide variant.
Coding change: c.1376A>G on transcript NM_152703.5 (MANE Select); coding-DNA position 1376, A replaced by G.
Protein change: p.Tyr459Cys; replaces tyrosine 459 with cysteine.
Molecular consequence: missense variant.
Genome position (GRCh38, 1-based): chr7:93,134,596, T>C on the plus strand (A>G on the coding strand, the complement: SAMD9L is on the minus strand). VCF-style: chr7-93134596-T-C. GRCh37 (hg19) VCF-style: chr7-92763909-T-C.
Other names: c.1376A>G, p.Tyr459Cys (NM_001303496.3, NM_001303497.3, NM_001303498.3 and 5 more transcripts); short protein forms Y459C.
Identifiers: ClinVar variation 3437186 (VCV003437186.1).
Genomic context (GRCh38, chr7:93,134,596, plus strand): 5'-TTAGTTGTCTTGTCTTCATATTGATTTGGAAAGTGAAGGTTTGCCACCCGACTTTCTTTG[T>C]AAGCTTTGACCACTCCATTGATCATAGATTCAGGATCAAACTCCAACACAGCAAACCATT-3'
Protein context (NP_689916.2, residues 449-469): ESMINGVVKA[Tyr459Cys]KESRVANLHF

ClinVar aggregate classification (germline): Uncertain significance (1 of 4 stars; one submission).

Conditions:
Inborn genetic diseases. Identifiers: MedGen C0950123, MeSH D030342.

Submission:

Ambry Genetics
Classification: Uncertain significance for Inborn genetic diseases. Last evaluated: 2024-11-26. Review status: criteria provided, single submitter. Criteria: Ambry Variant Classification Scheme 2023. Collection method: clinical testing. Allele origin: germline.
Comment: The p.Y459C variant (also known as c.1376A>G), located in coding exon 1 of the SAMD9L gene, results from an A to G substitution at nucleotide position 1376. The tyrosine at codon 459 is replaced by cysteine, an amino acid with highly dissimilar properties. This amino acid position is conserved. In addition, this alteration is predicted to be tolerated by in silico analysis. Based on the available evidence, the clinical significance of this variant remains unclear.